The following is an entry in ClinVar:

ClinVar aggregate classification (germline): Likely benign (1 of 4 stars; one submission).

Allele frequency attached by ClinVar (database versions not stated): gnomAD exomes 0.00002 and 0.00004; ExAC 0.00003; gnomAD 0.00003; TOPMed 0.00003.
gnomAD v4.1: 66 of 1,611,136 alleles (0.0041%); highest among the groups gnomAD compares: Middle Eastern, 0.033%; no homozygotes.

Submission:

CeGaT Center for Human Genetics Tuebingen
Classification: Likely benign. Last evaluated: 2023-06-01. Review status: criteria provided, single submitter. Criteria: CeGaT Center For Human Genetics Tuebingen Variant Classification Criteria Version 2. Collection method: clinical testing. Allele origin: germline. Affected: yes. Observed: 2 variant alleles.
Comment: FMN2: BP4, BP7

NM_020066.5(FMN2):c.5073C>T (p.Ala1691=)

Gene: FMN2 (formin 2; plus strand). Cytogenetic location: 1q43.
Variant type: single nucleotide variant.
Coding change: c.5073C>T on transcript NM_020066.5 (MANE Select); coding-DNA position 5073, C replaced by T.
Protein change: p.Ala1691=; no amino-acid change (alanine 1691 retained).
Molecular consequence: synonymous variant.
Genome position (GRCh38, 1-based): chr1:240,472,384, C>T. VCF-style: chr1-240472384-C-T. GRCh37 (hg19) VCF-style: chr1-240635684-C-T.
Other names: c.5085C>T, p.Ala1695= (NM_001305424.2); c.2901C>T, p.Ala967= (NM_001348094.2).
Identifiers: ClinVar variation 1176533 (VCV001176533.35), dbSNP rs757125774, ClinGen allele CA1477719.